The following is an entry in ClinVar:

ClinVar aggregate classification (germline): Likely pathogenic. Review status: criteria provided, multiple submitters, no conflicts (2 of 4 stars). 2 submissions from 2 submitters: Likely pathogenic (2). Last evaluated 2023-07-28.

Conditions:
Primary ciliary dyskinesia. Also called: Ciliary dyskinesia. Identifiers: Orphanet 244, MedGen C0008780, MONDO:0016575, HP:0012265.
Primary ciliary dyskinesia 14. Also called: CILIARY DYSKINESIA, PRIMARY, 14, WITH OR WITHOUT SITUS INVERSUS. Identifiers: Orphanet 244, MedGen C3151136, MONDO:0013434, OMIM 613807.

Submissions (2):

Labcorp Genetics (formerly Invitae), Labcorp
Classification: Likely pathogenic for Primary ciliary dyskinesia. Last evaluated: 2023-07-28. Review status: criteria provided, single submitter. Criteria: Invitae Variant Classification Sherloc (09022015). Collection method: clinical testing. Allele origin: germline.
Comment: This sequence change affects a donor splice site in intron 4 of the CCDC39 gene. It is expected to disrupt RNA splicing. Variants that disrupt the donor or acceptor splice site typically lead to a loss of protein function (PMID: 16199547), and loss-of-function variants in CCDC39 are known to be pathogenic (PMID: 21131972, 23255504). This variant is not present in population databases (gnomAD no frequency). This variant has not been reported in the literature in individuals affected with CCDC39-related conditions. Algorithms developed to predict the effect of sequence changes on RNA splicing suggest that this variant may disrupt the consensus splice site. In summary, the currently available evidence indicates that the variant is pathogenic, but additional data are needed to prove that conclusively. Therefore, this variant has been classified as Likely Pathogenic.

Neuberg Centre For Genomic Medicine, NCGM
Classification: Likely pathogenic for Primary ciliary dyskinesia 14. Review status: criteria provided, single submitter. Criteria: ACMG Guidelines, 2015. Collection method: clinical testing. Allele origin: germline. Inheritance: Autosomal recessive inheritance. Affected: yes.
Comment: The splice site c.516+1G>A variant in CCDC39 gene has not been reported previously as a pathogenic variant nor as a benign variant, to our knowledge. The variant is novel (not in any individuals) in gnomAD Exomes and 1000 Genomes. The nucleotide change in CCDC39 is predicted as conserved by GERP++ and PhyloP across 100 vertebrates. Loss of function variants have been previously reported to be disease causing. For these reasons, this variant has been classified as Likely Pathogenic.

Literature cited by the submitters: PubMed 16199547 (cited by Labcorp Genetics (formerly Invitae), Labcorp); PubMed 21131972 (cited by Labcorp Genetics (formerly Invitae), Labcorp); PubMed 23255504 (cited by Labcorp Genetics (formerly Invitae), Labcorp).

NM_181426.2(CCDC39):c.516+1G>A

Gene: CCDC39 (coiled-coil domain 39 molecular ruler complex subunit; minus strand). Cytogenetic location: 3q26.33.
Variant type: single nucleotide variant.
Coding change: c.516+1G>A on transcript NM_181426.2 (MANE Select); the canonical splice donor site of the intron after coding-DNA position 516, G replaced by A.
Molecular consequence: splice donor variant.
Genome position (GRCh38, 1-based): chr3:180,660,569, C>T on the plus strand (G>A on the coding strand, the complement: CCDC39 is on the minus strand). VCF-style: chr3-180660569-C-T. GRCh37 (hg19) VCF-style: chr3-180378357-C-T.
Identifiers: ClinVar variation 2585082 (VCV002585082.4), dbSNP rs2473824830, ClinGen allele CA355302996.